The following is an entry in ClinVar:

NM_032043.3(BRIP1):c.2829C>A (p.Val943=)

Gene: BRIP1 (BRCA1 interacting DNA helicase 1; minus strand). Cytogenetic location: 17q23.2.
Variant type: single nucleotide variant.
Coding change: c.2829C>A on transcript NM_032043.3 (MANE Select); coding-DNA position 2829, C replaced by A.
Protein change: p.Val943=; no amino-acid change (valine 943 retained).
Molecular consequence: synonymous variant.
Genome position (GRCh38, 1-based): chr17:61,685,912, G>T on the plus strand (C>A on the coding strand, the complement: BRIP1 is on the minus strand). VCF-style: chr17-61685912-G-T. GRCh37 (hg19) VCF-style: chr17-59763273-G-T.
Identifiers: ClinVar variation 324350 (VCV000324350.23), dbSNP rs767164240, ClinGen allele CA10650615.
Genomic context (GRCh38, chr17:61,685,912, plus strand): 5'-GATAATGCTACTTGGTAGAGGTGAATTTTTGGTAATAATTTTAGGACACTGTAGTTCCTG[G>T]ACACATATCTTTGCTTCATCTTCCACAAAATTTTCTGGTGATAGATGACTTGCTGCTTCC-3'
Protein context (NP_114432.2, residues 933-953): NFVEDEAKIC[Val943=]QELQCPKIIT

ClinVar aggregate classification (germline): Conflicting classifications of pathogenicity. Review status: criteria provided, conflicting classifications (1 of 4 stars). 7 submissions from 7 submitters: Uncertain significance (1); Benign (1); Likely benign (5). Last evaluated 2025-12-15.

Conditions:
Familial cancer of breast. Also called: BREAST CANCER, FAMILIAL; hereditary breast carcinoma; Hereditary breast cancer. Identifiers: Orphanet 227535, MedGen C0346153, MONDO:0016419, OMIM 114480. Disease mechanism: loss of function.
Fanconi anemia complementation group J. Also called: BRIP1-Related Fanconi Anemia. Identifiers: Orphanet 84, MedGen C1836860, MONDO:0012187, OMIM 609054.
Hereditary cancer-predisposing syndrome. Also called: Neoplastic Syndromes, Hereditary; Hereditary neoplastic syndrome; Tumor predisposition; Hereditary Cancer Syndrome. Identifiers: Orphanet 140162, MedGen C0027672, MeSH D009386, MONDO:0015356.
Hereditary breast ovarian cancer syndrome. Also called: Hereditary breast and ovarian cancer syndrome; BRCA1- and BRCA2-Associated Hereditary Breast and Ovarian Cancer; Hereditary breast and ovarian cancer syndrome (HBOC); Breast and ovarian cancer; Hereditary breast and/or ovarian cancer syndrome; Hereditary breast and ovarian cancer. Identifiers: Orphanet 145, MedGen C0677776, MeSH D061325, MONDO:0003582. Disease mechanism: loss of function.

Submissions (7):

Labcorp Genetics (formerly Invitae), Labcorp
Classification: Likely benign for Familial cancer of breast; Fanconi anemia complementation group J. Last evaluated: 2025-12-15. Review status: criteria provided, single submitter. Criteria: Invitae Variant Classification Sherloc (09022015). Collection method: clinical testing. Allele origin: germline.

Myriad Genetics, Inc.
Classification: Benign for Familial cancer of breast. Last evaluated: 2024-09-06. Review status: criteria provided, single submitter. Criteria: Myriad Autosomal Dominant, Autosomal Recessive and X-Linked Classification Criteria (2023). Collection method: clinical testing. Allele origin: unknown.
Comment: This variant is considered benign. This variant is a silent/synonymous amino acid change and it is not expected to impact splicing.

Department of Pathology and Laboratory Medicine, Sinai Health System
Classification: Likely benign for Hereditary breast ovarian cancer syndrome. Last evaluated: 2021-04-12. Review status: criteria provided, single submitter. Criteria: ACMG Guidelines, 2015. Collection method: clinical testing. Allele origin: germline. Affected: yes.

Color Diagnostics, LLC DBA Color Health
Classification: Likely benign for Hereditary cancer-predisposing syndrome. Last evaluated: 2021-03-08. Review status: criteria provided, single submitter. Criteria: ACMG Guidelines, 2015. Collection method: clinical testing. Allele origin: germline.

Illumina Laboratory Services, Illumina
Classification: Uncertain significance for Fanconi anemia complementation group J. Last evaluated: 2018-01-13. Review status: criteria provided, single submitter. Criteria: ICSL Variant Classification Criteria 13 December 2019. Collection method: clinical testing. Allele origin: germline.

GeneDx
Classification: Likely benign. Last evaluated: 2017-04-19. Review status: criteria provided, single submitter. Criteria: GeneDx Variant Classification (06012015). Collection method: clinical testing. Allele origin: germline. Affected: yes.
Comment: This variant is considered likely benign or benign based on one or more of the following criteria: it is a conservative change, it occurs at a poorly conserved position in the protein, it is predicted to be benign by multiple in silico algorithms, and/or has population frequency not consistent with disease.

Ambry Genetics
Classification: Likely benign for Hereditary cancer-predisposing syndrome. Last evaluated: 2016-10-26. Review status: criteria provided, single submitter. Criteria: Ambry Variant Classification Scheme 2023. Collection method: clinical testing. Allele origin: germline.